The following is an entry in ClinVar:

NM_000256.3(MYBPC3):c.1408C>G (p.Arg470Gly)

Gene: MYBPC3 (myosin binding protein C3; minus strand). Cytogenetic location: 11p11.2.
Variant type: single nucleotide variant.
Coding change: c.1408C>G on transcript NM_000256.3 (MANE Select); coding-DNA position 1408, C replaced by G.
Protein change: p.Arg470Gly; replaces arginine 470 with glycine.
Molecular consequence: missense variant.
Genome position (GRCh38, 1-based): chr11:47,342,879, G>C on the plus strand (C>G on the coding strand, the complement: MYBPC3 is on the minus strand). VCF-style: chr11-47342879-G-C. GRCh37 (hg19) VCF-style: chr11-47364430-G-C.
Other names: short protein forms R470G.
Identifiers: ClinVar variation 1466597 (VCV001466597.6), dbSNP rs1595846365, ClinGen allele CA380326005.

ClinVar aggregate classification (germline): Uncertain significance (1 of 4 stars; one submission).

Conditions:
Hypertrophic cardiomyopathy. Also called: HYPERTROPHIC MYOCARDIOPATHY. Identifiers: Orphanet 217569, MedGen C0007194, MeSH D002312, MONDO:0005045, HP:0001639.

Submission:

Labcorp Genetics (formerly Invitae), Labcorp
Classification: Uncertain significance for Hypertrophic cardiomyopathy. Last evaluated: 2021-10-23. Review status: criteria provided, single submitter. Criteria: Invitae Variant Classification Sherloc (09022015). Collection method: clinical testing. Allele origin: germline.
Comment: In summary, the available evidence is currently insufficient to determine the role of this variant in disease. Therefore, it has been classified as a Variant of Uncertain Significance. This variant disrupts the p.Arg470 amino acid residue in MYBPC3. Other variant(s) that disrupt this residue have been observed in individuals with MYBPC3-related conditions (PMID: 18533079, 23233322, 29398688), which suggests that this may be a clinically significant amino acid residue. Algorithms developed to predict the effect of missense changes on protein structure and function (SIFT, PolyPhen-2, Align-GVGD) all suggest that this variant is likely to be disruptive. This variant has not been reported in the literature in individuals affected with MYBPC3-related conditions. This sequence change replaces arginine, which is basic and polar, with glycine, which is neutral and non-polar, at codon 470 of the MYBPC3 protein (p.Arg470Gly). This variant is not present in population databases (gnomAD no frequency).

Literature cited by the submitters: PubMed 18533079; PubMed 23233322; PubMed 29398688.